The following is an entry in ClinVar:

NM_000059.4(BRCA2):c.7490A>C (p.Lys2497Thr)

Gene: BRCA2 (BRCA2 DNA repair associated; plus strand). Cytogenetic location: 13q13.1.
Variant type: single nucleotide variant.
Coding change: c.7490A>C on transcript NM_000059.4 (MANE Select); coding-DNA position 7490, A replaced by C.
Protein change: p.Lys2497Thr; replaces lysine 2497 with threonine.
Molecular consequence: missense variant.
Genome position (GRCh38, 1-based): chr13:32,356,482, A>C. VCF-style: chr13-32356482-A-C. GRCh37 (hg19) VCF-style: chr13-32930619-A-C.
Other names: short protein forms K2497T.
Identifiers: ClinVar variation 1481824 (VCV001481824.8), dbSNP rs2072696359, ClinGen allele CA387743344.

ClinVar aggregate classification (germline): Uncertain significance (1 of 4 stars; one submission).

Conditions:
Hereditary breast ovarian cancer syndrome. Also called: Hereditary breast and ovarian cancer; BRCA1- and BRCA2-Associated Hereditary Breast and Ovarian Cancer; Hereditary breast and ovarian cancer syndrome; Hereditary breast and ovarian cancer syndrome (HBOC); Breast and ovarian cancer; Hereditary breast and/or ovarian cancer syndrome. Identifiers: Orphanet 145, MedGen C0677776, MeSH D061325, MONDO:0003582. Disease mechanism: loss of function.

Submission:

Labcorp Genetics (formerly Invitae), Labcorp
Classification: Uncertain significance for Hereditary breast ovarian cancer syndrome. Last evaluated: 2021-04-11. Review status: criteria provided, single submitter. Criteria: Invitae Variant Classification Sherloc (09022015). Collection method: clinical testing. Allele origin: germline.
Comment: This sequence change replaces lysine with threonine at codon 2497 of the BRCA2 protein (p.Lys2497Thr). The lysine residue is highly conserved and there is a moderate physicochemical difference between lysine and threonine. This variant is not present in population databases (ExAC no frequency). In summary, the available evidence is currently insufficient to determine the role of this variant in disease. Therefore, it has been classified as a Variant of Uncertain Significance. Advanced modeling of protein sequence and biophysical properties (such as structural, functional, and spatial information, amino acid conservation, physicochemical variation, residue mobility, and thermodynamic stability) performed at Invitae indicates that this missense variant is not expected to disrupt BRCA2 protein function. This variant has not been reported in the literature in individuals with BRCA2-related conditions.